The following is an entry in ClinVar:

ClinVar aggregate classification (germline): Uncertain significance (1 of 4 stars; one submission).

Submission:

Labcorp Genetics (formerly Invitae), Labcorp
Classification: Uncertain significance. Last evaluated: 2025-09-08. Review status: criteria provided, single submitter. Criteria: Invitae Variant Classification Sherloc (09022015). Collection method: clinical testing. Allele origin: germline.
Comment: This variant, c.1391_1405del, results in the deletion of 5 amino acid(s) of the RIMS1 protein (p.Leu464_Glu468del), but otherwise preserves the integrity of the reading frame. This variant is present in population databases (no rsID available, gnomAD 0.002%). This variant has not been reported in the literature in individuals affected with RIMS1-related conditions. ClinVar contains an entry for this variant (Variation ID: 1007696). Experimental studies and prediction algorithms are not available or were not evaluated, and the functional significance of this variant is currently unknown. In summary, the available evidence is currently insufficient to determine the role of this variant in disease. Therefore, it has been classified as a Variant of Uncertain Significance.

NM_014989.7(RIMS1):c.1391_1405del (p.Leu464_Glu468del)

Gene: RIMS1 (regulating synaptic membrane exocytosis 1; plus strand). Cytogenetic location: 6q13.
Variant type: Deletion.
Coding change: c.1391_1405del on transcript NM_014989.7 (MANE Select); coding-DNA positions 1391 to 1405, 15 bases deleted (TCAAAGCCCAGGAGC).
Protein change: p.Leu464_Glu468del.
Molecular consequence: inframe deletion.
Genome position (GRCh38, 1-based): chr6:72,182,862-72,182,876, TCAAAGCCCAGGAGC deleted; deleting any 15 consecutive bases within chr6:72,182,857-72,182,876 gives the same sequence; the c. name uses the placement nearest the transcript's 3' end. VCF-style (leftmost placement, unchanged base first): chr6-72182856-CGGAGCTCAAAGCCCA-C. GRCh37 (hg19) VCF-style: chr6-72892559-CGGAGCTCAAAGCCCA-C.
Identifiers: ClinVar variation 1007696 (VCV001007696.7), dbSNP rs1562517260, ClinGen allele CA568120295.